The following is an entry in ClinVar:

NM_000016.6(ACADM):c.487C>A (p.Pro163Thr)

Gene: ACADM (acyl-CoA dehydrogenase medium chain; plus strand). Cytogenetic location: 1p31.1.
Variant type: single nucleotide variant.
Coding change: c.487C>A on transcript NM_000016.6 (MANE Select); coding-DNA position 487, C replaced by A.
Protein change: p.Pro163Thr; replaces proline 163 with threonine.
Molecular consequence: missense variant. On other transcripts: 5 prime UTR variant (1).
Genome position (GRCh38, 1-based): chr1:75,739,998, C>A. VCF-style: chr1-75739998-C-A. GRCh37 (hg19) VCF-style: chr1-76205683-C-A.
Other names: c.499C>A, p.Pro167Thr (NM_001127328.3); c.379C>A, p.Pro127Thr (NM_001286042.2); c.586C>A, p.Pro196Thr (NM_001286043.2); c.-81C>A (NM_001286044.2); short protein forms P127T, P167T, P163T, P196T.
Identifiers: ClinVar variation 3662623 (VCV003662623.2).
Genomic context (GRCh38, chr1:75,739,998, plus strand): 5'-ACTAACATTTAATTTCATTTCTCTTGTTTTTATATATTCAAGGCTTATTGTGTAACAGAA[C>A]CTGGAGCAGGCTCTGATGTAGCTGGTATAAAGACCAAAGCAGAAAAGAAAGGAGATGAGT-3'
Protein context (NP_000007.1, residues 153-173): PLMCAYCVTE[Pro163Thr]GAGSDVAGIK

ClinVar aggregate classification (germline): Uncertain significance (1 of 4 stars; one submission).

Conditions:
Medium-chain acyl-coenzyme A dehydrogenase deficiency (ACADMD). Also called: MCADH DEFICIENCY; MCADD; MCAD Deficiency; ACADM DEFICIENCY; CARNITINE DEFICIENCY SECONDARY TO MEDIUM-CHAIN ACYL-CoA DEHYDROGENASE DEFICIENCY; Medium chain acyl-CoA dehydrogenase deficiency. Identifiers: Orphanet 42, MedGen C0220710, MONDO:0008721, OMIM 201450.

Submission:

Labcorp Genetics (formerly Invitae), Labcorp
Classification: Uncertain significance for Medium-chain acyl-coenzyme A dehydrogenase deficiency. Last evaluated: 2024-08-15. Review status: criteria provided, single submitter. Criteria: Invitae Variant Classification Sherloc (09022015). Collection method: clinical testing. Allele origin: germline.
Comment: This sequence change replaces proline, which is neutral and non-polar, with threonine, which is neutral and polar, at codon 163 of the ACADM protein (p.Pro163Thr). This variant is not present in population databases (gnomAD no frequency). This variant has not been reported in the literature in individuals affected with ACADM-related conditions. Invitae Evidence Modeling of protein sequence and biophysical properties (such as structural, functional, and spatial information, amino acid conservation, physicochemical variation, residue mobility, and thermodynamic stability) indicates that this missense variant is expected to disrupt ACADM protein function with a positive predictive value of 80%. In summary, the available evidence is currently insufficient to determine the role of this variant in disease. Therefore, it has been classified as a Variant of Uncertain Significance.